The following is an entry in ClinVar:

ClinVar aggregate classification (germline): Pathogenic (1 of 4 stars; one submission).

Conditions:
Autosomal recessive limb-girdle muscular dystrophy type 2A (LGMDR1). Also called: Muscular dystrophy, limb-girdle, type 2A, Amish; Limb-girdle muscular dystrophy, type 2A; Calpainopathy; LEYDEN-MOEBIUS MUSCULAR DYSTROPHY; MUSCULAR DYSTROPHY, PELVOFEMORAL. Identifiers: Orphanet 267, MedGen C1869123, MONDO:0009675, OMIM 253600. Disease mechanism: loss of function.

Submission:

Myriad Genetics, Inc.
Classification: Pathogenic for Autosomal recessive limb-girdle muscular dystrophy type 2A. Last evaluated: 2025-09-26. Review status: criteria provided, single submitter. Criteria: Myriad Autosomal Dominant, Autosomal Recessive and X-Linked Classification Criteria (2023). Collection method: clinical testing. Allele origin: unknown.
Comment: NM_000070.2(CAPN3):c.1421C>A(S474*) is a nonsense variant classified as pathogenic in the context of calpainopathy. S474* has not been observed in cases with relevant disease. Relevant functional assessments of this variant are not available in the literature. S474* has not been observed in referenced population frequency databases. In summary, NM_000070.2(CAPN3):c.1421C>A(S474*) is a nonsense variant in a gene where loss of function is a known mechanism of disease and is predicted to disrupt protein function. Please note: this variant was assessed in the context of healthy population screening.

NM_000070.3(CAPN3):c.1421C>A (p.Ser474Ter)

Gene: CAPN3 (calpain 3; plus strand). Cytogenetic location: 15q15.1.
Variant type: single nucleotide variant.
Coding change: c.1421C>A on transcript NM_000070.3 (MANE Select); coding-DNA position 1421, C replaced by A.
Protein change: p.Ser474Ter; replaces serine 474 with a stop codon.
Molecular consequence: nonsense.
Genome position (GRCh38, 1-based): chr15:42,401,707, C>A. VCF-style: chr15-42401707-C-A. GRCh37 (hg19) VCF-style: chr15-42693905-C-A.
Other names: c.1421C>A, p.Ser474Ter (NM_024344.2); c.1277C>A, p.Ser426Ter (NM_173087.2); short protein forms S474*, S426*.
Identifiers: ClinVar variation 5003563 (VCV005003563.1).